The following is an entry in ClinVar:

ClinVar aggregate classification (germline): Uncertain significance. Review status: criteria provided, multiple submitters, no conflicts (2 of 4 stars). 3 submissions from 3 submitters: Uncertain significance (3). Last evaluated 2024-07-23.

Conditions:
Hereditary cancer-predisposing syndrome. Also called: Neoplastic Syndromes, Hereditary; Tumor predisposition; Hereditary Cancer Syndrome; Hereditary neoplastic syndrome. Identifiers: Orphanet 140162, MedGen C0027672, MeSH D009386, MONDO:0015356.
Breast-ovarian cancer, familial, susceptibility to, 4. Identifiers: Orphanet 145, MedGen C3280345, MONDO:0013669, OMIM 614291.

Allele frequency attached by ClinVar (database versions not stated): gnomAD exomes below 0.00001 and 0.00001; ExAC 0.00001; gnomAD 0.00001.
gnomAD v4.1: 2 of 1,614,078 alleles (0.00012%); highest among the groups gnomAD compares: Admixed American, 0.0017%; no homozygotes.

Submissions (3):

Labcorp Genetics (formerly Invitae), Labcorp
Classification: Uncertain significance for Breast-ovarian cancer, familial, susceptibility to, 4. Last evaluated: 2024-07-23. Review status: criteria provided, single submitter. Criteria: Invitae Variant Classification Sherloc (09022015). Collection method: clinical testing. Allele origin: germline.
Comment: This sequence change replaces proline, which is neutral and non-polar, with serine, which is neutral and polar, at codon 65 of the RAD51D protein (p.Pro65Ser). This variant is present in population databases (rs766692136, gnomAD 0.007%). This variant has not been reported in the literature in individuals affected with RAD51D-related conditions. ClinVar contains an entry for this variant (Variation ID: 921725). Advanced modeling of protein sequence and biophysical properties (such as structural, functional, and spatial information, amino acid conservation, physicochemical variation, residue mobility, and thermodynamic stability) performed at Invitae indicates that this missense variant is not expected to disrupt RAD51D protein function with a negative predictive value of 80%. In summary, the available evidence is currently insufficient to determine the role of this variant in disease. Therefore, it has been classified as a Variant of Uncertain Significance.

Color Diagnostics, LLC DBA Color Health
Classification: Uncertain significance for Hereditary cancer-predisposing syndrome. Last evaluated: 2023-12-05. Review status: criteria provided, single submitter. Criteria: ACMG Guidelines, 2015. Collection method: clinical testing. Allele origin: germline.
Comment: This missense variant replaces proline with serine at codon 65 of the RAD51D protein. Computational prediction suggests that this variant may not impact protein structure and function (internally defined REVEL score threshold <= 0.5, PMID: 27666373). To our knowledge, functional studies have not been reported for this variant. This variant has not been reported in individuals affected with RAD51D-related disorders in the literature. This variant has been identified in 2/251444 chromosomes in the general population by the Genome Aggregation Database (gnomAD). The available evidence is insufficient to determine the role of this variant in disease conclusively. Therefore, this variant is classified as a Variant of Uncertain Significance.

Ambry Genetics
Classification: Uncertain significance for Hereditary cancer-predisposing syndrome. Last evaluated: 2023-11-08. Review status: criteria provided, single submitter. Criteria: Ambry Variant Classification Scheme 2023. Collection method: clinical testing. Allele origin: germline.
Comment: The p.P65S variant (also known as c.193C>T), located in coding exon 3 of the RAD51D gene, results from a C to T substitution at nucleotide position 193. The proline at codon 65 is replaced by serine, an amino acid with similar properties. This amino acid position is highly conserved in available vertebrate species. In addition, the in silico prediction for this alteration is inconclusive. Since supporting evidence is limited at this time, the clinical significance of this alteration remains unclear.

NM_002878.4(RAD51D):c.193C>T (p.Pro65Ser)

Genes: RAD51D (RAD51 paralog D; minus strand), RAD51L3-RFFL (RAD51L3-RFFL readthrough; minus strand). Cytogenetic location: 17q12.
Variant type: single nucleotide variant.
Coding change: c.193C>T on transcript NM_002878.4 (MANE Select); coding-DNA position 193, C replaced by T.
Protein change: p.Pro65Ser; replaces proline 65 with serine.
Molecular consequence: missense variant. On other transcripts: intron variant (2).
Genome position (GRCh38, 1-based): chr17:35,118,571, G>A on the plus strand (C>T on the coding strand, the complement: RAD51D is on the minus strand). VCF-style: chr17-35118571-G-A. GRCh37 (hg19) VCF-style: chr17-33445590-G-A.
Other names: c.144+540C>T (NM_133629.3, NM_001142571.2); short protein forms P65S.
Identifiers: ClinVar variation 921725 (VCV000921725.10), dbSNP rs766692136, ClinGen allele CA8499630.